The following is an entry in ClinVar:

ClinVar aggregate classification (germline): Pathogenic (1 of 4 stars; one submission).

Conditions:
Telangiectasia, hereditary hemorrhagic, type 2 (HHT2). Also called: ACVRL1-Related Hereditary Hemorrhagic Telangiectasia; Telangiectasia, hereditary hemorrhagic, type II. Identifiers: Orphanet 774, MedGen C1838163, MONDO:0010880, OMIM 600376. Disease mechanism: loss of function.

Submission:

Labcorp Genetics (formerly Invitae), Labcorp
Classification: Pathogenic for Telangiectasia, hereditary hemorrhagic, type 2. Last evaluated: 2016-11-30. Review status: criteria provided, single submitter. Criteria: Invitae Variant Classification Sherloc (09022015). Collection method: clinical testing. Allele origin: germline.
Comment: This variant is a gross deletion of the genomic region encompassing exon 10 of the ACVRL1 gene. The 5' boundary is likely confined to intron 9. The 3' end of this event is unknown as it extends through the termination codon beyond the assayed region for this gene and may encompass additional genes. While this deletion is not anticipated to result in nonsense mediated decay, it is expected to create a truncated protein product or disrupt mRNA translation. Loss-of-function variants in ACVRL1 are known to be pathogenic. This particular variant has been reported in the literature in several unrelated individuals with hereditary hemorrhagic telangiectasia (PMID: 20414677). For these reasons, this variant has been classified as Pathogenic.

NC_000012.12:g.(?_51920759)_(51923361_?)del

Genes: ACVRL1 (activin A receptor like type 1; plus strand), LOC130007932 (ATAC-STARR-seq lymphoblastoid active region 6385; plus strand). Cytogenetic location: 12q13.13.
Variant type: Deletion.
Identifiers: ClinVar variation 417555 (VCV000417555.1).